The following is an entry in ClinVar:

ClinVar aggregate classification (germline): Pathogenic (1 of 4 stars; one submission).

Conditions:
L-2-hydroxyglutaric aciduria (L2HGA). Identifiers: Orphanet 79314, MedGen C1855995, MONDO:0009370, OMIM 236792, HP:0040144.

Submission:

Labcorp Genetics (formerly Invitae), Labcorp
Classification: Pathogenic for L-2-hydroxyglutaric aciduria. Last evaluated: 2019-03-13. Review status: criteria provided, single submitter. Criteria: Invitae Variant Classification Sherloc (09022015). Collection method: clinical testing. Allele origin: germline.
Comment: This variant is an out-of-frame deletion of the genomic region encompassing exons 7-8 of the L2HGDH gene. This is expected to create a premature translational stop signal and result in an absent or disrupted protein product. For these reasons, this variant has been classified as Pathogenic. Loss-of-function variants in L2HGDH are known to be pathogenic (PMID: 16134148, 20052767). This variant has not been reported in the literature in individuals with L2HGDH-related conditions.

Literature cited by the submitters: PubMed 16134148; PubMed 20052767.

NC_000014.9:g.(?_50267733)_(50269350_?)del

Gene: L2HGDH (L-2-hydroxyglutarate dehydrogenase; minus strand). Cytogenetic location: 14q21.3.
Variant type: Deletion.
Identifiers: ClinVar variation 831656 (VCV000831656.5).